The following is an entry in ClinVar:

NM_001353694.2(TIAM1):c.2456T>A (p.Leu819His)

Gene: TIAM1 (TIAM Rac1 associated GEF 1; minus strand). Cytogenetic location: 21q22.11.
Variant type: single nucleotide variant.
Coding change: c.2456T>A on transcript NM_001353694.2 (MANE Select); coding-DNA position 2456, T replaced by A.
Protein change: p.Leu819His; replaces leucine 819 with histidine.
Molecular consequence: missense variant.
Genome position (GRCh38, 1-based): chr21:31,202,945, A>T on the plus strand (T>A on the coding strand, the complement: TIAM1 is on the minus strand). VCF-style: chr21-31202945-A-T. GRCh37 (hg19) VCF-style: chr21-32575261-A-T.
Other names: c.2456T>A, p.Leu819His (NM_001353686.2, NM_001353688.1, NM_001353689.1 and 5 more transcripts); c.2381T>A, p.Leu794His (NM_001353687.2); short protein forms L819H, L794H.
Identifiers: ClinVar variation 4184409 (VCV004184409.2).

ClinVar aggregate classification (germline): Likely benign. Review status: criteria provided, multiple submitters, no conflicts (2 of 4 stars). 2 submissions from 2 submitters: Likely benign (2). Last evaluated 2026-06-05.

Conditions:
TIAM1-related disorder. Also called: TIAM1-related condition.

Submissions (2):

PreventionGenetics, part of Exact Sciences
Classification: Likely benign for TIAM1-related condition. Last evaluated: 2026-06-05. Review status: criteria provided, single submitter. Criteria: ACMG Guidelines, 2015. Collection method: clinical testing. Allele origin: germline.
Comment: This variant is classified as likely benign based on ACMG/AMP sequence variant interpretation guidelines (Richards et al. 2015 PMID: 25741868, with internal and published modifications).

Ambry Genetics
Classification: Likely benign. Last evaluated: 2025-08-11. Review status: criteria provided, single submitter. Criteria: Ambry Variant Classification Scheme 2023. Collection method: clinical testing. Allele origin: germline.